The following is an entry in ClinVar:

ClinVar aggregate classification (germline): Conflicting classifications of pathogenicity. Review status: criteria provided, conflicting classifications (1 of 4 stars). 9 submissions from 9 submitters: Uncertain significance (1); Benign (1); Likely benign (6). 1 of the submissions does not count toward it. Last evaluated 2026-04-15.

Conditions:
DICER1-related disorder. Also called: DICER1-related condition.
DICER1-related tumor predisposition. Also called: DICER1 syndrome; DICER1-related pleuropulmonary blastoma cancer predisposition syndrome. Identifiers: Orphanet 284343, MedGen C3839822, MONDO:0100216.
Hereditary cancer-predisposing syndrome. Also called: Tumor predisposition; Neoplastic Syndromes, Hereditary; Hereditary neoplastic syndrome; Hereditary Cancer Syndrome. Identifiers: Orphanet 140162, MedGen C0027672, MeSH D009386, MONDO:0015356.

Allele frequency attached by ClinVar (database versions not stated): ExAC 0.00004; gnomAD 0.00004; TOPMed 0.00006; ESP Exome Variant Server 0.00008; 1000 Genomes Project 30x 0.00016; 1000 Genomes Project 0.00020.
gnomAD v4.1: 73 of 1,512,622 alleles (0.0048%); highest among the groups gnomAD compares: Middle Eastern, 0.018%; no homozygotes.

Submissions (9):

Myriad Genetics, Inc.
Classification: Benign for DICER1-related tumor predisposition. Last evaluated: 2026-04-15. Review status: criteria provided, single submitter. Criteria: Myriad Autosomal Dominant, Autosomal Recessive and X-Linked Classification Criteria (2023). Collection method: clinical testing. Allele origin: unknown.
Comment: This variant is considered benign. This variant is a silent/synonymous amino acid change and it is not expected to impact splicing.

Labcorp Genetics (formerly Invitae), Labcorp
Classification: Likely benign for DICER1-related tumor predisposition. Last evaluated: 2026-01-27. Review status: criteria provided, single submitter. Criteria: Invitae Variant Classification Sherloc (09022015). Collection method: clinical testing. Allele origin: germline.

CeGaT Center for Human Genetics Tuebingen
Classification: Likely benign. Last evaluated: 2025-09-01. Review status: criteria provided, single submitter. Criteria: CeGaT Center For Human Genetics Tuebingen Variant Classification Criteria Version 2. Collection method: clinical testing. Allele origin: germline. Affected: yes. Observed: 2 variant alleles.
Comment: DICER1: BP4, BP7

Center for Genomic Medicine, Rigshospitalet, Copenhagen University Hospital
Classification: Likely benign. Last evaluated: 2025-03-04. Review status: criteria provided, single submitter. Criteria: ACMG Guidelines, 2015. Collection method: clinical testing. Allele origin: germline.

Blueprint Genetics
Classification: Likely benign. Last evaluated: 2023-07-03. Review status: criteria provided, single submitter. Criteria: ACMG Guidelines, 2015. Collection method: clinical testing. Allele origin: germline.

Sema4
Classification: Likely benign for Hereditary cancer-predisposing syndrome. Last evaluated: 2021-08-09. Review status: criteria provided, single submitter. Criteria: Sema4 Curation Guidelines. Collection method: curation. Allele origin: germline.

Illumina Laboratory Services, Illumina
Classification: Uncertain significance for Pleuropulmonary blastoma. Last evaluated: 2018-01-13. Review status: criteria provided, single submitter. Criteria: ICSL Variant Classification Criteria 13 December 2019. Collection method: clinical testing. Allele origin: germline.

Ambry Genetics
Classification: Likely benign for Hereditary cancer-predisposing syndrome. Last evaluated: 2017-09-11. Review status: criteria provided, single submitter. Criteria: Ambry Variant Classification Scheme 2023. Collection method: clinical testing. Allele origin: germline.

PreventionGenetics, part of Exact Sciences
Classification: Likely benign for DICER1-related condition. Last evaluated: 2022-06-08. Review status: no assertion criteria provided. Collection method: clinical testing. Allele origin: germline. Not counted in ClinVar's aggregate classification.
Comment: This variant is classified as likely benign based on ACMG/AMP sequence variant interpretation guidelines (Richards et al. 2015 PMID: 25741868, with internal and published modifications).

NM_177438.3(DICER1):c.897G>A (p.Ser299=)

Gene: DICER1 (dicer 1, ribonuclease III; minus strand). Cytogenetic location: 14q32.13.
Variant type: single nucleotide variant.
Coding change: c.897G>A on transcript NM_177438.3 (MANE Select); coding-DNA position 897, G replaced by A.
Protein change: p.Ser299=; no amino-acid change (serine 299 retained).
Molecular consequence: synonymous variant.
Genome position (GRCh38, 1-based): chr14:95,126,586, C>T on the plus strand (G>A on the coding strand, the complement: DICER1 is on the minus strand). VCF-style: chr14-95126586-C-T. GRCh37 (hg19) VCF-style: chr14-95592923-C-T.
Other names: c.897G>A, p.Ser299= (NM_001195573.1, NM_001271282.3, NM_001291628.2 and 1 more transcripts).
Identifiers: ClinVar variation 315112 (VCV000315112.54), dbSNP rs201842071, ClinGen allele CA7331560.